The following is an entry in ClinVar:

NM_016239.4(MYO15A):c.4483-7T>A

Gene: MYO15A (myosin XVA; plus strand). Cytogenetic location: 17p11.2.
Variant type: single nucleotide variant.
Coding change: c.4483-7T>A on transcript NM_016239.4 (MANE Select); 7 bases into the intron before coding-DNA position 4483, T replaced by A.
Molecular consequence: intron variant.
Genome position (GRCh38, 1-based): chr17:18,135,704, T>A. VCF-style: chr17-18135704-T-A. GRCh37 (hg19) VCF-style: chr17-18039018-T-A.
Identifiers: ClinVar variation 4857594 (VCV004857594.1).

ClinVar aggregate classification (germline): Likely pathogenic (1 of 4 stars; one submission).

Conditions:
Autosomal recessive nonsyndromic hearing loss 3. Also called: NEUROSENSORY NONSYNDROMIC RECESSIVE DEAFNESS 3. Identifiers: Orphanet 90636, MedGen C1838263, MONDO:0010860, OMIM 600316.

Submission:

Department of Otolaryngology-Head and Neck Surgery, Shanghai Jiao Tong University Affiliated Sixth People’s Hospital
Classification: Likely pathogenic for Autosomal recessive nonsyndromic hearing loss 3. Last evaluated: 2026-01-19. Review status: criteria provided, single submitter. Criteria: ACMG Guidelines, 2015. Collection method: provider interpretation. Allele origin: maternal. Inheritance: Autosomal recessive inheritance. Affected: yes. Observed: 1 variant allele, 1 compound heterozygote.
Comment: Classification: Likely Pathogenic, Gene: MYO15A, Transcript: NM_016239.4, Variant: c.4483-7T>A (intron 12), Condition: Autosomal recessive non-syndromic hearing loss (DFNB3). This rare intronic variant is predicted to alter canonical splicing via multiple bioinformatic tools (PP3). It is absent from gnomAD population datasets (PM2_Supporting). Segregation testing verified trans configuration with MYO15A c.10250_10252del in two affected siblings with bilateral sensorineural hearing loss; both parents are asymptomatic heterozygous carriers, showing full genotype-phenotype co-segregation (PM3_Moderate, PP1, PP4). No benign evidence exists. Final classification: Likely Pathogenic (PM2_Supporting + PM3_Moderate + PP1 + PP3 + PP4).

Literature cited by the submitters: PubMed 36597107; PubMed 35853923.